The following is an entry in ClinVar:

NM_001080467.3(MYO5B):c.1016C>T (p.Ala339Val)

Gene: MYO5B (myosin VB; minus strand). Cytogenetic location: 18q21.1.
Variant type: single nucleotide variant.
Coding change: c.1016C>T on transcript NM_001080467.3 (MANE Select); coding-DNA position 1016, C replaced by T.
Protein change: p.Ala339Val; replaces alanine 339 with valine.
Molecular consequence: missense variant.
Genome position (GRCh38, 1-based): chr18:49,980,484, G>A on the plus strand (C>T on the coding strand, the complement: MYO5B is on the minus strand). VCF-style: chr18-49980484-G-A. GRCh37 (hg19) VCF-style: chr18-47506854-G-A.
Other names: short protein forms A339V.
Identifiers: ClinVar variation 2291393 (VCV002291393.3), dbSNP rs765201776, ClinGen allele CA8961682.

ClinVar aggregate classification (germline): Uncertain significance. Review status: criteria provided, multiple submitters, no conflicts (2 of 4 stars). 2 submissions from 2 submitters: Uncertain significance (2). Last evaluated 2025-12-11.

Conditions:
Inborn genetic diseases. Identifiers: MedGen C0950123, MeSH D030342.
MYO5B-related disorder. Also called: MYO5B-related condition.

Allele frequency attached by ClinVar (database versions not stated): ExAC 0.00001; gnomAD exomes 0.00002; gnomAD 0.00003; TOPMed 0.00003.
gnomAD v4.1: 30 of 1,613,634 alleles (0.0019%); highest among the groups gnomAD compares: Admixed American, 0.005%; no homozygotes.

Submissions (2):

PreventionGenetics, part of Exact Sciences
Classification: Uncertain significance for MYO5B-related condition. Last evaluated: 2025-12-11. Review status: criteria provided, single submitter. Criteria: ACMG Guidelines, 2015. Collection method: clinical testing. Allele origin: germline.
Comment: The MYO5B c.1016C>T variant is predicted to result in the amino acid substitution p.Ala339Val. To our knowledge, this variant has not been reported in the literature. This variant is reported in 0.0065% of alleles in individuals of African descent in gnomAD. At this time, the clinical significance of this variant is uncertain due to the absence of conclusive functional and genetic evidence.

Ambry Genetics
Classification: Uncertain significance for Inborn genetic diseases. Last evaluated: 2022-05-26. Review status: criteria provided, single submitter. Criteria: Ambry Variant Classification Scheme 2023. Collection method: clinical testing. Allele origin: germline.